The following is an entry in ClinVar:

NM_020207.7(ERCC6L2):c.2158C>T (p.Pro720Ser)

Gene: ERCC6L2 (ERCC excision repair 6 like 2; plus strand). Cytogenetic location: 9q22.32.
Variant type: single nucleotide variant.
Coding change: c.2158C>T on transcript NM_020207.7 (MANE Select); coding-DNA position 2158, C replaced by T.
Protein change: p.Pro720Ser; replaces proline 720 with serine.
Molecular consequence: missense variant. On other transcripts: non-coding transcript variant (1).
Genome position (GRCh38, 1-based): chr9:95,970,633, C>T. VCF-style: chr9-95970633-C-T. GRCh37 (hg19) VCF-style: chr9-98732915-C-T.
Other names: c.2158C>T, p.Pro720Ser (NM_001375291.1, NM_001375292.1, NM_001375293.1 and 1 more transcripts); short protein forms P720S.
Identifiers: ClinVar variation 1346055 (VCV001346055.5), dbSNP rs912816010, ClinGen allele CA196596763.

ClinVar aggregate classification (germline): Uncertain significance (1 of 4 stars; one submission).

Allele frequency attached by ClinVar (database versions not stated): TOPMed below 0.00001; gnomAD exomes 0.00001 and 0.00005.
gnomAD v4.1: 53 of 1,303,548 alleles (0.0041%); highest among the groups gnomAD compares: Non-Finnish European, 0.0054%; no homozygotes.

Submission:

Labcorp Genetics (formerly Invitae), Labcorp
Classification: Uncertain significance. Last evaluated: 2022-07-26. Review status: criteria provided, single submitter. Criteria: Invitae Variant Classification Sherloc (09022015). Collection method: clinical testing. Allele origin: germline.
Comment: This sequence change replaces proline, which is neutral and non-polar, with serine, which is neutral and polar, at codon 731 of the ERCC6L2 protein (p.Pro731Ser). This variant is present in population databases (no rsID available, gnomAD 0.002%). This variant has not been reported in the literature in individuals affected with ERCC6L2-related conditions. ClinVar contains an entry for this variant (Variation ID: 1346055). Algorithms developed to predict the effect of missense changes on protein structure and function are either unavailable or do not agree on the potential impact of this missense change (SIFT: "Tolerated"; PolyPhen-2: "Not Available"; Align-GVGD: "Class C0"). In summary, the available evidence is currently insufficient to determine the role of this variant in disease. Therefore, it has been classified as a Variant of Uncertain Significance.